The following is an entry in ClinVar:

NM_003014.4(SFRP4):c.58C>A (p.Arg20Ser)

Gene: SFRP4 (secreted frizzled related protein 4; minus strand). Cytogenetic location: 7p14.1.
Variant type: single nucleotide variant.
Coding change: c.58C>A on transcript NM_003014.4 (MANE Select); coding-DNA position 58, C replaced by A.
Protein change: p.Arg20Ser; replaces arginine 20 with serine.
Molecular consequence: missense variant.
Genome position (GRCh38, 1-based): chr7:37,916,480, G>T on the plus strand (C>A on the coding strand, the complement: SFRP4 is on the minus strand). VCF-style: chr7-37916480-G-T. GRCh37 (hg19) VCF-style: chr7-37956082-G-T.
Other names: short protein forms R20S.
Identifiers: ClinVar variation 3160907 (VCV003160907.3), dbSNP rs1372900624, ClinGen allele CA367221213.

ClinVar aggregate classification (germline): Uncertain significance. Review status: criteria provided, multiple submitters, no conflicts (2 of 4 stars). 2 submissions from 2 submitters: Uncertain significance (2). Last evaluated 2024-01-31.

Conditions:
Inborn genetic diseases. Identifiers: MedGen C0950123, MeSH D030342.

Allele frequency attached by ClinVar (database versions not stated): TOPMed 0.00002.

Submissions (2):

Labcorp Genetics (formerly Invitae), Labcorp
Classification: Uncertain significance. Last evaluated: 2024-01-31. Review status: criteria provided, single submitter. Criteria: Invitae Variant Classification Sherloc (09022015). Collection method: clinical testing. Allele origin: germline.
Comment: This sequence change replaces arginine, which is basic and polar, with serine, which is neutral and polar, at codon 20 of the SFRP4 protein (p.Arg20Ser). This variant is present in population databases (no rsID available, gnomAD 0.003%). This variant has not been reported in the literature in individuals affected with SFRP4-related conditions. An algorithm developed to predict the effect of missense changes on protein structure and function (PolyPhen-2) suggests that this variant is likely to be tolerated. In summary, the available evidence is currently insufficient to determine the role of this variant in disease. Therefore, it has been classified as a Variant of Uncertain Significance.

Ambry Genetics
Classification: Uncertain significance for Inborn genetic diseases. Last evaluated: 2023-09-29. Review status: criteria provided, single submitter. Criteria: Ambry Variant Classification Scheme 2023. Collection method: clinical testing. Allele origin: germline.